The following is an entry in ClinVar:

NM_032776.3(JMJD1C):c.1456G>A (p.Asp486Asn)

Gene: JMJD1C (jumonji domain containing 1C; minus strand). Cytogenetic location: 10q21.3.
Variant type: single nucleotide variant.
Coding change: c.1456G>A on transcript NM_032776.3 (MANE Select); coding-DNA position 1456, G replaced by A.
Protein change: p.Asp486Asn; replaces aspartic acid 486 with asparagine.
Molecular consequence: missense variant. On other transcripts: non-coding transcript variant (1).
Genome position (GRCh38, 1-based): chr10:63,214,711, C>T on the plus strand (G>A on the coding strand, the complement: JMJD1C is on the minus strand). VCF-style: chr10-63214711-C-T. GRCh37 (hg19) VCF-style: chr10-64974471-C-T.
Other names: c.910G>A, p.Asp304Asn (NM_001282948.2, NM_001318154.2); c.592G>A, p.Asp198Asn (NM_001318153.2); c.1342G>A, p.Asp448Asn (NM_001322252.2); c.799G>A, p.Asp267Asn (NM_001322254.2, NM_001322258.2); short protein forms D198N, D304N, D448N, D267N, D486N.
Identifiers: ClinVar variation 953081 (VCV000953081.9), dbSNP rs1293472735, ClinGen allele CA377049386.

ClinVar aggregate classification (germline): Uncertain significance (1 of 4 stars; one submission).

Conditions:
Early Myoclonic Encephalopathy. Identifiers: MedGen C0270855.

Allele frequency attached by ClinVar (database versions not stated): TOPMed below 0.00001.

Submission:

Labcorp Genetics (formerly Invitae), Labcorp
Classification: Uncertain significance for Early Myoclonic Encephalopathy. Last evaluated: 2024-10-23. Review status: criteria provided, single submitter. Criteria: Invitae Variant Classification Sherloc (09022015). Collection method: clinical testing. Allele origin: germline.
Comment: This sequence change replaces aspartic acid, which is acidic and polar, with asparagine, which is neutral and polar, at codon 486 of the JMJD1C protein (p.Asp486Asn). This variant is not present in population databases (gnomAD no frequency). This variant has not been reported in the literature in individuals affected with JMJD1C-related conditions. ClinVar contains an entry for this variant (Variation ID: 953081). Invitae Evidence Modeling of protein sequence and biophysical properties (such as structural, functional, and spatial information, amino acid conservation, physicochemical variation, residue mobility, and thermodynamic stability) indicates that this missense variant is not expected to disrupt JMJD1C protein function with a negative predictive value of 80%. In summary, the available evidence is currently insufficient to determine the role of this variant in disease. Therefore, it has been classified as a Variant of Uncertain Significance.